The following is an entry in ClinVar:

NM_014970.4(KIFAP3):c.320-2468G>A

Gene: KIFAP3 (kinesin associated protein 3; minus strand). Cytogenetic location: 1q24.2.
Variant type: single nucleotide variant.
Coding change: c.320-2468G>A on transcript NM_014970.4 (MANE Select); 2468 bases into the intron before coding-DNA position 320, G replaced by A.
Molecular consequence: intron variant. On other transcripts: synonymous variant (1).
Genome position (GRCh38, 1-based): chr1:170,041,756, C>T on the plus strand (G>A on the coding strand, the complement: KIFAP3 is on the minus strand). VCF-style: chr1-170041756-C-T. GRCh37 (hg19) VCF-style: chr1-170010897-C-T.
Other names: c.6G>A, p.Ser2= (NM_001204514.2); c.188-2468G>A (NM_001204516.2); c.320-2468G>A (NM_001375830.1, NM_001375831.1); c.200-2468G>A (NM_001204517.2).
Identifiers: ClinVar variation 3041937 (VCV003041937.2), dbSNP rs537407535, ClinGen allele CA1238715.

ClinVar aggregate classification (germline): Likely benign (0 of 4 stars; one submission).

Conditions:
KIFAP3-related disorder. Also called: KIFAP3-related condition.

Allele frequency attached by ClinVar (database versions not stated): TOPMed 0.00021; gnomAD 0.00040; 1000 Genomes Project 0.00060; 1000 Genomes Project 30x 0.00078; ExAC 0.00302.
gnomAD v4.1: 594 of 1,533,856 alleles (0.039%); highest among the groups gnomAD compares: South Asian, 0.42%; 6 homozygotes.

Submission:

PreventionGenetics, part of Exact Sciences
Classification: Likely benign for KIFAP3-related condition. Last evaluated: 2020-02-26. Review status: no assertion criteria provided. Collection method: clinical testing. Allele origin: germline.
Comment: This variant is classified as likely benign based on ACMG/AMP sequence variant interpretation guidelines (Richards et al. 2015 PMID: 25741868, with internal and published modifications).